The following is an entry in ClinVar:

ClinVar aggregate classification (germline): Uncertain significance (1 of 4 stars; one submission).

Conditions:
Leigh syndrome (NULS). Also called: Leigh's necrotizing encephalopathy; Leigh's disease; Leigh Syndrome (mtDNA deletion); Leigh Disease; Subacute necrotizing encephalopathy; Necrotizing encephalopathy infantile subacute of Leigh. Identifiers: Orphanet 506, MedGen C2931891, MONDO:0009723, OMIM 256000.

Submission:

Wong Mito Lab, Molecular and Human Genetics, Baylor College of Medicine
Classification: Uncertain significance for Leigh syndrome. Last evaluated: 2019-10-17. Review status: criteria provided, single submitter. Criteria: Modified ACMG Guidelines (Unpublished). Collection method: clinical testing. Allele origin: germline.
Comment: The NC_012920.1:m.12842T>C (YP_003024036.1:p.Ile169Thr) variant in MTND5 gene is interpretated to be a Uncertain Significance variant based on the modified ACMG guidelines (unpublished). This variant meets the following evidence codes: BS1, PP6

NC_012920.1(MT-ND5):m.12842T>C

Gene: MT-ND5 (mitochondrially encoded NADH dehydrogenase 5; plus strand).
Variant type: single nucleotide variant.
Genome position: chrM-12842-T-C.
Identifiers: ClinVar variation 693489 (VCV000693489.1), dbSNP rs1603223927, ClinGen allele CA414815125.
Genomic context (GRCh38, chrMT:12,842, plus strand): 5'-TTATATCCTTCTTGCTCATCAGTTGATGATACGCCCGAGCAGATGCCAACACAGCAGCCA[T>C]TCAAGCAATCCTATACAACCGTATCGGCGATATCGGTTTCATCCTCGCCTTAGCATGATT-3'